The following is an entry in ClinVar:

ClinVar aggregate classification (germline): Conflicting classifications of pathogenicity. Review status: criteria provided, conflicting classifications (1 of 4 stars). 2 submissions from 2 submitters: Uncertain significance (1); Likely benign (1). Last evaluated 2026-04-17.

Conditions:
Hereditary cancer-predisposing syndrome. Also called: Tumor predisposition; Neoplastic Syndromes, Hereditary; Hereditary neoplastic syndrome; Hereditary Cancer Syndrome. Identifiers: Orphanet 140162, MedGen C0027672, MeSH D009386, MONDO:0015356.
Cardiovascular phenotype. Identifiers: MedGen CN230736.
Neurofibromatosis, type 1 (NF1). Also called: Peripheral type neurofibromatosis; Neurofibromatosis, type I; NEUROFIBROMATOSIS, TYPE I, SOMATIC; VON RECKLINGHAUSEN DISEASE. Identifiers: Orphanet 636, MedGen C0027831, MONDO:0018975, OMIM 162200. Disease mechanism: loss of function.

Submissions (2):

Ambry Genetics
Classification: Likely benign for Cardiovascular phenotype; Hereditary cancer-predisposing syndrome. Last evaluated: 2026-04-17. Review status: criteria provided, single submitter. Criteria: Ambry Variant Classification Scheme 2023. Collection method: clinical testing. Allele origin: germline.

Labcorp Genetics (formerly Invitae), Labcorp
Classification: Uncertain significance for Neurofibromatosis, type 1. Last evaluated: 2023-05-04. Review status: criteria provided, single submitter. Criteria: Invitae Variant Classification Sherloc (09022015). Collection method: clinical testing. Allele origin: germline.
Comment: In summary, the available evidence is currently insufficient to determine the role of this variant in disease. Therefore, it has been classified as a Variant of Uncertain Significance. Advanced modeling of protein sequence and biophysical properties (such as structural, functional, and spatial information, amino acid conservation, physicochemical variation, residue mobility, and thermodynamic stability) has been performed at Invitae for this missense variant, however the output from this modeling did not meet the statistical confidence thresholds required to predict the impact of this variant on NF1 protein function. ClinVar contains an entry for this variant (Variation ID: 821514). This variant has not been reported in the literature in individuals affected with NF1-related conditions. This variant is not present in population databases (gnomAD no frequency). This sequence change replaces leucine, which is neutral and non-polar, with valine, which is neutral and non-polar, at codon 860 of the NF1 protein (p.Leu860Val).

NM_001042492.3(NF1):c.2578C>G (p.Leu860Val)

Gene: NF1 (neurofibromin 1; plus strand). Cytogenetic location: 17q11.2.
Variant type: single nucleotide variant.
Coding change: c.2578C>G on transcript NM_001042492.3 (MANE Select); coding-DNA position 2578, C replaced by G.
Protein change: p.Leu860Val; replaces leucine 860 with valine.
Molecular consequence: missense variant.
Genome position (GRCh38, 1-based): chr17:31,229,193, C>G. VCF-style: chr17-31229193-C-G. GRCh37 (hg19) VCF-style: chr17-29556211-C-G.
Other names: c.2578C>G, p.Leu860Val (NM_000267.4); short protein forms L860V.
Identifiers: ClinVar variation 821514 (VCV000821514.8), dbSNP rs1597715404, ClinGen allele CA398984361.